The following is an entry in ClinVar:

NM_001042492.3(NF1):c.1247_1254del (p.Arg416fs)

Gene: NF1 (neurofibromin 1; plus strand). Cytogenetic location: 17q11.2.
Variant type: Deletion.
Coding change: c.1247_1254del on transcript NM_001042492.3 (MANE Select); coding-DNA positions 1247 to 1254, 8 bases deleted (GAATCATC; older notation c.1247_1254delGAATCATC).
Protein change: p.Arg416fs; shifts the reading frame from arginine 416.
Molecular consequence: frameshift variant.
Genome position (GRCh38, 1-based): chr17:31,201,472-31,201,479, GAATCATC deleted; deleting any 8 consecutive bases within chr17:31,201,468-31,201,479 gives the same sequence; the c. name uses the placement nearest the transcript's 3' end. VCF-style (leftmost placement, unchanged base first): chr17-31201467-CCATCGAAT-C. GRCh37 (hg19) VCF-style: chr17-29528485-CCATCGAAT-C.
Other names: c.1247_1254del, p.Arg416fs (NM_000267.4, NM_001128147.3); short protein forms R416fs.
Identifiers: ClinVar variation 4722006 (VCV004722006.1).

ClinVar aggregate classification (germline): Pathogenic (1 of 4 stars; one submission).

Conditions:
Neurofibromatosis, type 1 (NF1). Also called: NEUROFIBROMATOSIS, TYPE I, SOMATIC; VON RECKLINGHAUSEN DISEASE; Peripheral type neurofibromatosis; Neurofibromatosis, type I. Identifiers: Orphanet 636, MedGen C0027831, MONDO:0018975, OMIM 162200. Disease mechanism: loss of function.

Submission:

Labcorp Genetics (formerly Invitae), Labcorp
Classification: Pathogenic for Neurofibromatosis, type 1. Last evaluated: 2025-06-24. Review status: criteria provided, single submitter. Criteria: Invitae Variant Classification Sherloc (09022015). Collection method: clinical testing. Allele origin: germline.
Comment: This sequence change creates a premature translational stop signal (p.Arg416Hisfs*10) in the NF1 gene. It is expected to result in an absent or disrupted protein product. Loss-of-function variants in NF1 are known to be pathogenic (PMID: 10712197, 23913538). This variant is not present in population databases (gnomAD no frequency). This variant has not been reported in the literature in individuals affected with NF1-related conditions. For these reasons, this variant has been classified as Pathogenic.

Literature cited by the submitters: PubMed 10712197; PubMed 23913538.